The following is an entry in ClinVar:

NM_001112741.2(KCNC1):c.640C>T (p.Arg214Cys)

Gene: KCNC1 (potassium voltage-gated channel subfamily C member 1; plus strand). Cytogenetic location: 11p15.1.
Variant type: single nucleotide variant.
Coding change: c.640C>T on transcript NM_001112741.2 (MANE Select); coding-DNA position 640, C replaced by T.
Protein change: p.Arg214Cys; replaces arginine 214 with cysteine.
Molecular consequence: missense variant.
Genome position (GRCh38, 1-based): chr11:17,771,734, C>T. VCF-style: chr11-17771734-C-T. GRCh37 (hg19) VCF-style: chr11-17793281-C-T.
Other names: c.640C>T, p.Arg214Cys (NM_004976.4); short protein forms R214C.
Identifiers: ClinVar variation 1403357 (VCV001403357.9), dbSNP rs772042572, ClinGen allele CA5906708.

ClinVar aggregate classification (germline): Uncertain significance. Review status: criteria provided, multiple submitters, no conflicts (2 of 4 stars). 2 submissions from 2 submitters: Uncertain significance (2). Last evaluated 2024-10-14.

Conditions:
Progressive myoclonic epilepsy type 7. Identifiers: Orphanet 435438, MedGen C4015420, MONDO:0014521, OMIM 616187.

Allele frequency attached by ClinVar (database versions not stated): TOPMed below 0.00001; ExAC 0.00002.
gnomAD v4.1: 4 of 1,613,734 alleles (0.00025%); highest among the groups gnomAD compares: South Asian, 0.0011%; no homozygotes.

Submissions (2):

Women's Health and Genetics/Laboratory Corporation of America, LabCorp
Classification: Uncertain significance. Last evaluated: 2024-10-14. Review status: criteria provided, single submitter. Criteria: LabCorp Variant Classification Summary - May 2015. Collection method: clinical testing. Allele origin: germline.
Comment: Variant summary: KCNC1 c.640C>T (p.Arg214Cys) results in a non-conservative amino acid change located in a Kv3.1 voltage-dependent potassium channel (IPR005403) of the encoded protein sequence. Four of five in-silico tools predict a damaging effect of the variant on protein function. The variant allele was found at a frequency of 1.6e-05 in 251478 control chromosomes. The available data on variant occurrences in the general population are insufficient to allow any conclusion about variant significance. To our knowledge, no occurrence of c.640C>T in individuals affected with Epilepsy, Progressive Myoclonic 7 and no experimental evidence demonstrating its impact on protein function have been reported. ClinVar contains an entry for this variant (Variation ID: 1403357). Based on the evidence outlined above, the variant was classified as uncertain significance.

Labcorp Genetics (formerly Invitae), Labcorp
Classification: Uncertain significance for Progressive myoclonic epilepsy type 7. Last evaluated: 2022-12-06. Review status: criteria provided, single submitter. Criteria: Invitae Variant Classification Sherloc (09022015). Collection method: clinical testing. Allele origin: germline.
Comment: In summary, the available evidence is currently insufficient to determine the role of this variant in disease. Therefore, it has been classified as a Variant of Uncertain Significance. Advanced modeling of protein sequence and biophysical properties (such as structural, functional, and spatial information, amino acid conservation, physicochemical variation, residue mobility, and thermodynamic stability) performed at Invitae indicates that this missense variant is not expected to disrupt KCNC1 protein function. ClinVar contains an entry for this variant (Variation ID: 1403357). This variant has not been reported in the literature in individuals affected with KCNC1-related conditions. This variant is present in population databases (rs772042572, gnomAD 0.003%). This sequence change replaces arginine, which is basic and polar, with cysteine, which is neutral and slightly polar, at codon 214 of the KCNC1 protein (p.Arg214Cys).